The following is an entry in ClinVar:

ClinVar aggregate classification (germline): Benign/Likely benign. Review status: criteria provided, multiple submitters, no conflicts (2 of 4 stars). 5 submissions from 5 submitters: Benign (1); Likely benign (4). Last evaluated 2025-11-17.

Conditions:
Hereditary cancer-predisposing syndrome. Also called: Tumor predisposition; Hereditary Cancer Syndrome; Hereditary neoplastic syndrome; Neoplastic Syndromes, Hereditary. Identifiers: Orphanet 140162, MedGen C0027672, MeSH D009386, MONDO:0015356.
Familial cancer of breast. Also called: BREAST CANCER, FAMILIAL; hereditary breast carcinoma; Hereditary breast cancer. Identifiers: Orphanet 227535, MedGen C0346153, MONDO:0016419, OMIM 114480. Disease mechanism: loss of function.
Ataxia-telangiectasia syndrome (AT). Also called: LOUIS-BAR SYNDROME; Cerebello-oculocutaneous telangiectasia; Immunodeficiency with ataxia telangiectasia; ATAXIA-TELANGIECTASIA, COMPLEMENTATION GROUP A; ATAXIA-TELANGIECTASIA, FRESNO VARIANT; Ataxia-telangiectasia. Identifiers: Orphanet 100, MedGen C0004135, MONDO:0008840, OMIM 208900.

Allele frequency attached by ClinVar (database versions not stated): gnomAD exomes below 0.00001 and 0.00001; gnomAD 0.00003; ExAC 0.00002; TOPMed 0.00002.
gnomAD v4.1: 6 of 1,610,644 alleles (0.00037%); highest among the groups gnomAD compares: African/African-American, 0.0067%; no homozygotes.

Submissions (5):

Labcorp Genetics (formerly Invitae), Labcorp
Classification: Likely benign for Ataxia-telangiectasia syndrome. Last evaluated: 2025-11-17. Review status: criteria provided, single submitter. Criteria: Invitae Variant Classification Sherloc (09022015). Collection method: clinical testing. Allele origin: germline.

Myriad Genetics, Inc.
Classification: Benign for Familial cancer of breast. Last evaluated: 2024-05-16. Review status: criteria provided, single submitter. Criteria: Myriad Autosomal Dominant, Autosomal Recessive and X-Linked Classification Criteria (2023). Collection method: clinical testing. Allele origin: unknown.
Comment: This variant is considered benign. This variant is a silent/synonymous amino acid change and it is not expected to impact splicing.

GeneDx
Classification: Likely benign. Last evaluated: 2019-10-29. Review status: criteria provided, single submitter. Criteria: GeneDx Variant Classification Process June 2021. Collection method: clinical testing. Allele origin: germline. Affected: yes.
Comment: Not observed at a significant frequency in large population cohorts (Lek et al., 2016)

Color Diagnostics, LLC DBA Color Health
Classification: Likely benign for Hereditary cancer-predisposing syndrome. Last evaluated: 2016-05-19. Review status: criteria provided, single submitter. Criteria: ACMG Guidelines, 2015. Collection method: clinical testing. Allele origin: germline.

Ambry Genetics
Classification: Likely benign for Hereditary cancer-predisposing syndrome. Last evaluated: 2016-04-08. Review status: criteria provided, single submitter. Criteria: Ambry Variant Classification Scheme 2023. Collection method: clinical testing. Allele origin: germline.

NM_000051.4(ATM):c.4008C>T (p.Phe1336=)

Gene: ATM (ATM serine/threonine kinase; plus strand). Cytogenetic location: 11q22.3.
Variant type: single nucleotide variant.
Coding change: c.4008C>T on transcript NM_000051.4 (MANE Select); coding-DNA position 4008, C replaced by T.
Protein change: p.Phe1336=; no amino-acid change (phenylalanine 1336 retained).
Molecular consequence: synonymous variant.
Genome position (GRCh38, 1-based): chr11:108,287,614, C>T. VCF-style: chr11-108287614-C-T. GRCh37 (hg19) VCF-style: chr11-108158341-C-T.
Other names: c.4008C>T, p.Phe1336= (NM_001351834.2).
Identifiers: ClinVar variation 183935 (VCV000183935.18), dbSNP rs748055132, ClinGen allele CA187035.